The following is an entry in ClinVar:

ClinVar aggregate classification (germline): Uncertain significance. Review status: criteria provided, multiple submitters, no conflicts (2 of 4 stars). 2 submissions from 2 submitters: Uncertain significance (2). Last evaluated 2026-01-13.

Conditions:
Inborn genetic diseases. Identifiers: MedGen C0950123, MeSH D030342.

Allele frequency attached by ClinVar (database versions not stated): ExAC 0.00003; gnomAD 0.00003; gnomAD exomes 0.00004 and 0.00006; TOPMed 0.00006.
gnomAD v4.1: 98 of 1,613,970 alleles (0.0061%); highest among the groups gnomAD compares: Middle Eastern, 0.016%; no homozygotes.

Submissions (2):

Labcorp Genetics (formerly Invitae), Labcorp
Classification: Uncertain significance. Last evaluated: 2026-01-13. Review status: criteria provided, single submitter. Criteria: Invitae Variant Classification Sherloc (09022015). Collection method: clinical testing. Allele origin: germline.
Comment: This sequence change replaces arginine, which is basic and polar, with glutamine, which is neutral and polar, at codon 358 of the CAPN5 protein (p.Arg358Gln). This variant is present in population databases (rs781886455, gnomAD 0.006%). This variant has not been reported in the literature in individuals affected with CAPN5-related conditions. ClinVar contains an entry for this variant (Variation ID: 961438). Invitae Evidence Modeling of protein sequence and biophysical properties (such as structural, functional, and spatial information, amino acid conservation, physicochemical variation, residue mobility, and thermodynamic stability) indicates that this missense variant is not expected to disrupt CAPN5 protein function with a negative predictive value of 80%. In summary, the available evidence is currently insufficient to determine the role of this variant in disease. Therefore, it has been classified as a Variant of Uncertain Significance.

Ambry Genetics
Classification: Uncertain significance for Inborn genetic diseases. Last evaluated: 2025-02-19. Review status: criteria provided, single submitter. Criteria: Ambry Variant Classification Scheme 2023. Collection method: clinical testing. Allele origin: germline.

NM_004055.5(CAPN5):c.1073G>A (p.Arg358Gln)

Gene: CAPN5 (calpain 5; plus strand). Cytogenetic location: 11q13.5.
Variant type: single nucleotide variant.
Coding change: c.1073G>A on transcript NM_004055.5 (MANE Select); coding-DNA position 1073, G replaced by A.
Protein change: p.Arg358Gln; replaces arginine 358 with glutamine.
Molecular consequence: missense variant.
Genome position (GRCh38, 1-based): chr11:77,118,258, G>A. VCF-style: chr11-77118258-G-A. GRCh37 (hg19) VCF-style: chr11-76829304-G-A.
Other names: short protein forms R358Q.
Identifiers: ClinVar variation 961438 (VCV000961438.8), dbSNP rs781886455, ClinGen allele CA6196677.